The following is an entry in ClinVar:

NM_022168.4(IFIH1):c.2658G>A (p.Met886Ile)

Gene: IFIH1 (interferon induced with helicase C domain 1; minus strand). Cytogenetic location: 2q24.2.
Variant type: single nucleotide variant.
Coding change: c.2658G>A on transcript NM_022168.4 (MANE Select); coding-DNA position 2658, G replaced by A.
Protein change: p.Met886Ile; replaces methionine 886 with isoleucine.
Molecular consequence: missense variant.
Genome position (GRCh38, 1-based): chr2:162,268,236, C>T on the plus strand (G>A on the coding strand, the complement: IFIH1 is on the minus strand). VCF-style: chr2-162268236-C-T. GRCh37 (hg19) VCF-style: chr2-163124746-C-T.
Other names: c.2658G>A (NM_022168.2); short protein forms M886I.
Identifiers: ClinVar variation 1412222 (VCV001412222.8), dbSNP rs2105187934, ClinGen allele CA348992134.

ClinVar aggregate classification (germline): Uncertain significance. Review status: criteria provided, multiple submitters, no conflicts (2 of 4 stars). 3 submissions from 3 submitters: Uncertain significance (3). Last evaluated 2025-06-29.

Conditions:
Singleton-Merten syndrome 1 (SGMRT1). Also called: Widened medullary cavities of bone, aortic calcification, abnormal dentition, and muscular weakness; Syndrome of widened medullary cavities of the metacarpals and phalanges, aortic calcification and abnormal dentition. Identifiers: Orphanet 85191, MedGen C4225427, MONDO:0024535, OMIM 182250.
Aicardi-Goutieres syndrome 7 (AGS7). Identifiers: Orphanet 51, MedGen C3888244, MONDO:0014367, OMIM 615846.
Inborn genetic diseases. Identifiers: MedGen C0950123, MeSH D030342.

Allele frequency attached by ClinVar (database versions not stated): gnomAD exomes below 0.00001.
gnomAD v4.1: 4 of 1,612,288 alleles (0.00025%); highest among the groups gnomAD compares: South Asian, 0.0044%; no homozygotes.

Submissions (3):

Ambry Genetics
Classification: Uncertain significance for Inborn genetic diseases. Last evaluated: 2025-06-29. Review status: criteria provided, single submitter. Criteria: Ambry Variant Classification Scheme 2023. Collection method: clinical testing. Allele origin: germline.

Labcorp Genetics (formerly Invitae), Labcorp
Classification: Uncertain significance for Aicardi-Goutieres syndrome 7; Singleton-Merten syndrome 1. Last evaluated: 2024-11-27. Review status: criteria provided, single submitter. Criteria: Invitae Variant Classification Sherloc (09022015). Collection method: clinical testing. Allele origin: germline.
Comment: This sequence change replaces methionine, which is neutral and non-polar, with isoleucine, which is neutral and non-polar, at codon 886 of the IFIH1 protein (p.Met886Ile). This variant is not present in population databases (gnomAD no frequency). This variant has not been reported in the literature in individuals affected with IFIH1-related conditions. ClinVar contains an entry for this variant (Variation ID: 1412222). Invitae Evidence Modeling of protein sequence and biophysical properties (such as structural, functional, and spatial information, amino acid conservation, physicochemical variation, residue mobility, and thermodynamic stability) has been performed for this missense variant. However, the output from this modeling did not meet the statistical confidence thresholds required to predict the impact of this variant on IFIH1 protein function. In summary, the available evidence is currently insufficient to determine the role of this variant in disease. Therefore, it has been classified as a Variant of Uncertain Significance.

Women's Health and Genetics/Laboratory Corporation of America, LabCorp
Classification: Uncertain significance. Last evaluated: 2024-11-07. Review status: criteria provided, single submitter. Criteria: LabCorp Variant Classification Summary - May 2015. Collection method: clinical testing. Allele origin: germline.
Comment: Variant summary: IFIH1 c.2658G>A (p.Met886Ile) results in a conservative amino acid change in the encoded protein sequence. Four of five in-silico tools predict a benign effect of the variant on protein function. The variant was absent in 250530 control chromosomes (gnomAD). The available data on variant occurrences in the general population are insufficient to allow any conclusion about variant significance. To our knowledge, no occurrence of c.2658G>A in individuals affected with Singleton-Merten syndrome 1 and no experimental evidence demonstrating its impact on protein function have been reported. ClinVar contains an entry for this variant (Variation ID: 1412222). Based on the evidence outlined above, the variant was classified as uncertain significance.